The following is an entry in ClinVar:

ClinVar aggregate classification (germline): Uncertain significance (1 of 4 stars; one submission).

gnomAD v4.1: 14 of 1,614,062 alleles (0.00087%); highest among the groups gnomAD compares: Non-Finnish European, 0.0011%; no homozygotes.

Submission:

Labcorp Genetics (formerly Invitae), Labcorp
Classification: Uncertain significance. Last evaluated: 2024-12-19. Review status: criteria provided, single submitter. Criteria: Invitae Variant Classification Sherloc (09022015). Collection method: clinical testing. Allele origin: germline.
Comment: This sequence change replaces serine, which is neutral and polar, with arginine, which is basic and polar, at codon 479 of the TRIM28 protein (p.Ser479Arg). This variant is present in population databases (rs770140900, gnomAD 0.002%). This variant has not been reported in the literature in individuals affected with TRIM28-related conditions. Experimental studies and prediction algorithms are not available or were not evaluated, and the functional significance of this variant is currently unknown. In summary, the available evidence is currently insufficient to determine the role of this variant in disease. Therefore, it has been classified as a Variant of Uncertain Significance.

NM_005762.3(TRIM28):c.1435A>C (p.Ser479Arg)

Gene: TRIM28 (tripartite motif containing 28; plus strand). Cytogenetic location: 19q13.43.
Variant type: single nucleotide variant.
Coding change: c.1435A>C on transcript NM_005762.3 (MANE Select); coding-DNA position 1435, A replaced by C.
Protein change: p.Ser479Arg; replaces serine 479 with arginine.
Molecular consequence: missense variant.
Genome position (GRCh38, 1-based): chr19:58,549,013, A>C. VCF-style: chr19-58549013-A-C. GRCh37 (hg19) VCF-style: chr19-59060380-A-C.
Other names: short protein forms S479R.
Identifiers: ClinVar variation 3632962 (VCV003632962.2).